The following is an entry in ClinVar:

ClinVar aggregate classification (germline): Uncertain significance (1 of 4 stars; one submission).

Submission:

Labcorp Genetics (formerly Invitae), Labcorp
Classification: Uncertain significance. Last evaluated: 2025-01-27. Review status: criteria provided, single submitter. Criteria: Invitae Variant Classification Sherloc (09022015). Collection method: clinical testing. Allele origin: germline.
Comment: This sequence change replaces glutamic acid, which is acidic and polar, with lysine, which is basic and polar, at codon 206 of the IL23R protein (p.Glu206Lys). This variant is present in population databases (rs560597647, gnomAD 0.03%). This variant has not been reported in the literature in individuals affected with IL23R-related conditions. An algorithm developed to predict the effect of missense changes on protein structure and function outputs the following: PolyPhen-2: "Possibly Damaging". The lysine amino acid residue is found in multiple mammalian species, which suggests that this missense change does not adversely affect protein function. In summary, the available evidence is currently insufficient to determine the role of this variant in disease. Therefore, it has been classified as a Variant of Uncertain Significance.

NM_144701.3(IL23R):c.616G>A (p.Glu206Lys)

Gene: IL23R (interleukin 23 receptor; plus strand). Cytogenetic location: 1p31.3.
Variant type: single nucleotide variant.
Coding change: c.616G>A on transcript NM_144701.3 (MANE Select); coding-DNA position 616, G replaced by A.
Protein change: p.Glu206Lys; replaces glutamic acid 206 with lysine.
Molecular consequence: missense variant.
Genome position (GRCh38, 1-based): chr1:67,200,861, G>A. VCF-style: chr1-67200861-G-A. GRCh37 (hg19) VCF-style: chr1-67666544-G-A.
Other names: short protein forms E206K.
Identifiers: ClinVar variation 3712584 (VCV003712584.2).